The following is an entry in ClinVar:

ClinVar aggregate classification (germline): Uncertain significance (1 of 4 stars; one submission).

Conditions:
Congenital myasthenic syndrome 17. Identifiers: Orphanet 590, MedGen C4225377, MONDO:0014578, OMIM 616304.
Cenani-Lenz syndactyly syndrome. Also called: CENANI SYNDACTYLISM; SYNDACTYLY, TYPE VII. Identifiers: Orphanet 3258, MedGen C1859309, MONDO:0008931, OMIM 212780.
Sclerosteosis 2 (SOST2). Identifiers: Orphanet 3152, MedGen C3280402, MONDO:0013679, OMIM 614305.

Submission:

Labcorp Genetics (formerly Invitae), Labcorp
Classification: Uncertain significance for Cenani-Lenz syndactyly syndrome; Sclerosteosis 2; Congenital myasthenic syndrome 17. Last evaluated: 2022-02-06. Review status: criteria provided, single submitter. Criteria: Invitae Variant Classification Sherloc (09022015). Collection method: clinical testing. Allele origin: germline.
Comment: This sequence change replaces glutamic acid, which is acidic and polar, with aspartic acid, which is acidic and polar, at codon 1869 of the LRP4 protein (p.Glu1869Asp). This variant is not present in population databases (gnomAD no frequency). This variant has not been reported in the literature in individuals affected with LRP4-related conditions. In summary, the available evidence is currently insufficient to determine the role of this variant in disease. Therefore, it has been classified as a Variant of Uncertain Significance. Algorithms developed to predict the effect of missense changes on protein structure and function are either unavailable or do not agree on the potential impact of this missense change (SIFT: "Deleterious"; PolyPhen-2: "Possibly Damaging"; Align-GVGD: "Class C0").

NM_002334.4(LRP4):c.5607G>C (p.Glu1869Asp)

Genes: LRP4 (LDL receptor related protein 4; minus strand), LRP4-AS1 (LRP4 antisense RNA 1; plus strand). Cytogenetic location: 11p11.2.
Variant type: single nucleotide variant.
Coding change: c.5607G>C on transcript NM_002334.4 (MANE Select); coding-DNA position 5607, G replaced by C.
Protein change: p.Glu1869Asp; replaces glutamic acid 1869 with aspartic acid.
Molecular consequence: missense variant.
Genome position (GRCh38, 1-based): chr11:46,859,094, C>G on the plus strand (G>C on the coding strand, the complement: LRP4 is on the minus strand). VCF-style: chr11-46859094-C-G. GRCh37 (hg19) VCF-style: chr11-46880645-C-G.
Other names: short protein forms E1869D.
Identifiers: ClinVar variation 2094081 (VCV002094081.4), dbSNP rs762431184, ClinGen allele CA380283587.